The following is an entry in ClinVar:

ClinVar aggregate classification (germline): Uncertain significance. Review status: criteria provided, multiple submitters, no conflicts (2 of 4 stars). 2 submissions from 2 submitters: Uncertain significance (2). Last evaluated 2024-07-08.

Conditions:
Spondyloenchondrodysplasia with immune dysregulation (SPENCDI). Also called: ROIFMAN IMMUNOSKELETAL SYNDROME; SPONDYLOENCHONDRODYSPLASIA WITH OR WITHOUT IMMUNE DYSREGULATION; COMBINED IMMUNODEFICIENCY WITH AUTOIMMUNITY AND SPONDYLOMETAPHYSEAL DYSPLASIA. Identifiers: Orphanet 1855, MedGen C1842763, MONDO:0011939, OMIM 607944.

Submissions (2):

Labcorp Genetics (formerly Invitae), Labcorp
Classification: Uncertain significance for Spondyloenchondrodysplasia with immune dysregulation. Last evaluated: 2024-07-08. Review status: criteria provided, single submitter. Criteria: Invitae Variant Classification Sherloc (09022015). Collection method: clinical testing. Allele origin: germline.
Comment: This sequence change replaces glycine, which is neutral and non-polar, with tryptophan, which is neutral and slightly polar, at codon 261 of the ACP5 protein (p.Gly261Trp). This variant is not present in population databases (gnomAD no frequency). This variant has not been reported in the literature in individuals affected with ACP5-related conditions. ClinVar contains an entry for this variant (Variation ID: 1486814). Advanced modeling of protein sequence and biophysical properties (such as structural, functional, and spatial information, amino acid conservation, physicochemical variation, residue mobility, and thermodynamic stability) performed at Invitae indicates that this missense variant is expected to disrupt ACP5 protein function with a positive predictive value of 80%. In summary, the available evidence is currently insufficient to determine the role of this variant in disease. Therefore, it has been classified as a Variant of Uncertain Significance.

Neuberg Centre For Genomic Medicine, NCGM
Classification: Uncertain significance for Spondyloenchondrodysplasia with immune dysregulation. Review status: criteria provided, single submitter. Criteria: ACMG Guidelines, 2015. Collection method: clinical testing. Allele origin: germline. Inheritance: Autosomal recessive inheritance. Affected: yes.
Comment: The missense variant c.781G>T (p.Gly261Trp) in ACP5 gene has not been reported previously as a pathogenic variant nor as a benign variant, to our knowledge. The p.Gly261Trp variant is novel (not in any individuals) in gnomAD Exomes and 1000 Genomes. The amino acid Gly at position 261 is changed to a Trp changing protein sequence and it might alter its composition and physico-chemical properties. This variant has not been reported to the ClinVar database. The variant is predicted to be damaging by both SIFT and PolyPhen2. The residue is conserved across species. The amino acid change p.Gly261Trp in ACP5 is predicted as conserved by GERP++ and PhyloP across 100 vertebrates. For these reasons, this variant has been classified as Variant of Uncertain Significance (VUS).

NM_001611.5(ACP5):c.781G>T (p.Gly261Trp)

Gene: ACP5 (acid phosphatase 5, tartrate resistant; minus strand). Cytogenetic location: 19p13.2.
Variant type: single nucleotide variant.
Coding change: c.781G>T on transcript NM_001611.5 (MANE Select); coding-DNA position 781, G replaced by T.
Protein change: p.Gly261Trp; replaces glycine 261 with tryptophan.
Molecular consequence: missense variant.
Genome position (GRCh38, 1-based): chr19:11,575,207, C>A on the plus strand (G>T on the coding strand, the complement: ACP5 is on the minus strand). VCF-style: chr19-11575207-C-A. GRCh37 (hg19) VCF-style: chr19-11686022-C-A.
Other names: c.781G>T, p.Gly261Trp (NM_001111034.3, NM_001111035.3, NM_001111036.3 and 1 more transcripts); short protein forms G261W.
Identifiers: ClinVar variation 1486814 (VCV001486814.9), dbSNP rs2145082191, ClinGen allele CA404145820.